The following is an entry in ClinVar:

NM_052872.4(IL17F):c.115A>G (p.Thr39Ala)

Gene: IL17F (interleukin 17F; minus strand). Cytogenetic location: 6p12.2.
Variant type: single nucleotide variant.
Coding change: c.115A>G on transcript NM_052872.4 (MANE Select); coding-DNA position 115, A replaced by G.
Protein change: p.Thr39Ala; replaces threonine 39 with alanine.
Molecular consequence: missense variant.
Genome position (GRCh38, 1-based): chr6:52,238,869, T>C on the plus strand (A>G on the coding strand, the complement: IL17F is on the minus strand). VCF-style: chr6-52238869-T-C. GRCh37 (hg19) VCF-style: chr6-52103667-T-C.
Other names: short protein forms T39A.
Identifiers: ClinVar variation 1412361 (VCV001412361.8), dbSNP rs1436156723, ClinGen allele CA364445162.
Genomic context (GRCh38, chr6:52,238,869, plus strand): 5'-TGTCAAGCTTCATACTACCTCCTGGCACAGGCGGGCAACTCTCAGGCTTTTGGAAAAAAG[T>C]ATGTCCTACTTTGGGGATTTTCCGAGCTGCCGCCTCACTCAGAAAGGCAAGCCCCAATAT-3'
Protein context (NP_443104.1, residues 29-49): AARKIPKVGH[Thr39Ala]FFQKPESCPP

ClinVar aggregate classification (germline): Uncertain significance (1 of 4 stars; one submission).

Conditions:
Candidiasis, familial, 6 (CANDF6). Also called: Candidiasis, familial, 6, autosomal dominant. Identifiers: Orphanet 1334, MedGen C3151405, MONDO:0013503, OMIM 613956.

Allele frequency attached by ClinVar (database versions not stated): gnomAD exomes below 0.00001; TOPMed 0.00001.
gnomAD v4.1: 2 of 1,613,946 alleles (0.00012%); highest among the groups gnomAD compares: Non-Finnish European, 0.00017%; no homozygotes.

Submission:

Labcorp Genetics (formerly Invitae), Labcorp
Classification: Uncertain significance for Candidiasis, familial, 6. Last evaluated: 2022-08-16. Review status: criteria provided, single submitter. Criteria: Invitae Variant Classification Sherloc (09022015). Collection method: clinical testing. Allele origin: germline.
Comment: In summary, the available evidence is currently insufficient to determine the role of this variant in disease. Therefore, it has been classified as a Variant of Uncertain Significance. Algorithms developed to predict the effect of missense changes on protein structure and function output the following: SIFT: "Tolerated"; PolyPhen-2: "Benign"; Align-GVGD: "Class C0". The alanine amino acid residue is found in multiple mammalian species, which suggests that this missense change does not adversely affect protein function. ClinVar contains an entry for this variant (Variation ID: 1412361). This variant has not been reported in the literature in individuals affected with IL17F-related conditions. This variant is not present in population databases (gnomAD no frequency). This sequence change replaces threonine, which is neutral and polar, with alanine, which is neutral and non-polar, at codon 39 of the IL17F protein (p.Thr39Ala).